The following is an entry in ClinVar:

ClinVar aggregate classification (germline): Uncertain significance. Review status: criteria provided, multiple submitters, no conflicts (2 of 4 stars). 2 submissions from 2 submitters: Uncertain significance (2). Last evaluated 2025-12-11.

Conditions:
Inborn genetic diseases. Identifiers: MedGen C0950123, MeSH D030342.
Joubert syndrome. Also called: CEREBELLOPARENCHYMAL DISORDER IV; JOUBERT-BOLTSHAUSER SYNDROME; Familial aplasia of the vermis. Identifiers: Orphanet 475, MedGen C5979921, MONDO:0018772.
Meckel-Gruber syndrome. Also called: DYSENCEPHALIA SPLANCHNOCYSTICA; GRUBER SYNDROME; Dysencephalia splachnocystica. Identifiers: Orphanet 564, MedGen C0265215, MONDO:0018921.

Allele frequency attached by ClinVar (database versions not stated): gnomAD exomes below 0.00001; TOPMed 0.00001.
gnomAD v4.1: 2 of 1,589,364 alleles (0.00013%); highest among the groups gnomAD compares: South Asian, 0.0023%; no homozygotes.

Submissions (2):

Ambry Genetics
Classification: Uncertain significance for Inborn genetic diseases. Last evaluated: 2025-12-11. Review status: criteria provided, single submitter. Criteria: Ambry Variant Classification Scheme 2023. Collection method: clinical testing. Allele origin: germline.

Labcorp Genetics (formerly Invitae), Labcorp
Classification: Uncertain significance for Joubert syndrome; Meckel-Gruber syndrome. Last evaluated: 2022-08-16. Review status: criteria provided, single submitter. Criteria: Invitae Variant Classification Sherloc (09022015). Collection method: clinical testing. Allele origin: germline.
Comment: In summary, the available evidence is currently insufficient to determine the role of this variant in disease. Therefore, it has been classified as a Variant of Uncertain Significance. Algorithms developed to predict the effect of missense changes on protein structure and function (SIFT, PolyPhen-2, Align-GVGD) all suggest that this variant is likely to be tolerated. ClinVar contains an entry for this variant (Variation ID: 1380141). This variant has not been reported in the literature in individuals affected with B9D1-related conditions. This variant is not present in population databases (gnomAD no frequency). This sequence change replaces serine, which is neutral and polar, with asparagine, which is neutral and polar, at codon 7 of the B9D1 protein (p.Ser7Asn).

NM_015681.6(B9D1):c.20G>A (p.Ser7Asn)

Genes: B9D1 (B9 domain containing 1; minus strand), LOC130060455 (ATAC-STARR-seq lymphoblastoid silent region 8288; plus strand). Cytogenetic location: 17p11.2.
Variant type: single nucleotide variant.
Coding change: c.20G>A on transcript NM_015681.6 (MANE Select); coding-DNA position 20, G replaced by A.
Protein change: p.Ser7Asn; replaces serine 7 with asparagine.
Molecular consequence: missense variant. On other transcripts: intron variant (1).
Genome position (GRCh38, 1-based): chr17:19,362,550, C>T on the plus strand (G>A on the coding strand, the complement: B9D1 is on the minus strand). VCF-style: chr17-19362550-C-T. GRCh37 (hg19) VCF-style: chr17-19265863-C-T.
Other names: c.20G>A (NM_015681.3); c.20G>A, p.Ser7Asn (NM_001321214.2, NM_001321215.3, NM_001321216.2 and 4 more transcripts); c.-297-2162G>A (NM_001368769.2); short protein forms S7N.
Identifiers: ClinVar variation 1380141 (VCV001380141.7), dbSNP rs1911256730, ClinGen allele CA398699955.